The following is an entry in ClinVar:

ClinVar aggregate classification (germline): Pathogenic (1 of 4 stars; one submission).

Conditions:
Epidermolysis bullosa simplex 3, localized or generalized intermediate, with BP230 deficiency (EBS3). Also called: Epidermolysis bullosa simplex, autosomal recessive 2; Epidermolysis bullosa simplex due to BP230 deficiency. Identifiers: Orphanet 412181, MedGen C3809470, MONDO:0014180, OMIM 615425.
Hereditary sensory and autonomic neuropathy type 6. Also called: HSAN VI; Neuropathy, hereditary sensory and autonomic, type VI. Identifiers: Orphanet 314381, MedGen C3539003, MONDO:0013839, OMIM 614653.

gnomAD v4.1: 18 of 1,614,002 alleles (0.0011%); highest among the groups gnomAD compares: Non-Finnish European, 0.0014%; no homozygotes.

Submission:

Labcorp Genetics (formerly Invitae), Labcorp
Classification: Pathogenic for Epidermolysis bullosa simplex 3, localized or generalized intermediate, with BP230 deficiency; Hereditary sensory and autonomic neuropathy type 6. Last evaluated: 2025-12-21. Review status: criteria provided, single submitter. Criteria: Invitae Variant Classification Sherloc (09022015). Collection method: clinical testing. Allele origin: germline.
Comment: This sequence change creates a premature translational stop signal (p.Gln1815*) in the DST gene. It is expected to result in an absent or disrupted protein product. Loss-of-function variants in DST are known to be pathogenic (PMID: 22522446, 25059916, 30371979). This variant is present in population databases (rs760387233, gnomAD 0.004%). This variant has not been reported in the literature in individuals affected with DST-related conditions. For these reasons, this variant has been classified as Pathogenic.

Literature cited by the submitters: PubMed 22522446; PubMed 25059916; PubMed 30371979.

NM_001723.7(DST):c.5443C>T (p.Gln1815Ter)

Gene: DST (dystonin; minus strand). Cytogenetic location: 6p12.1.
Variant type: single nucleotide variant.
Coding change: c.5443C>T on transcript NM_001723.7 (MANE Plus Clinical); coding-DNA position 5443, C replaced by T.
Protein change: p.Gln1815Ter; replaces glutamine 1815 with a stop codon.
Molecular consequence: nonsense. On other transcripts: intron variant (10).
Genome position (GRCh38, 1-based): chr6:56,618,591, G>A on the plus strand (C>T on the coding strand, the complement: DST is on the minus strand). VCF-style: chr6-56618591-G-A. GRCh37 (hg19) VCF-style: chr6-56483389-G-A.
Other names: c.4831-4107C>T (NM_001144769.5); c.4930-4107C>T (NM_001374722.1, NM_001374736.1); c.4957-4107C>T (NM_001374734.1); c.4417-4107C>T (NM_001144770.2); c.4297-4107C>T (NM_001374730.1, NM_001386100.1, NM_183380.4 and 1 more transcripts); c.3319-4107C>T (NM_015548.5); short protein forms Q1815*.
Identifiers: ClinVar variation 4783094 (VCV004783094.1).